The following is an entry in ClinVar:

NM_001035.3(RYR2):c.4597-125G>A

Gene: RYR2 (ryanodine receptor 2; plus strand). Cytogenetic location: 1q43.
Variant type: single nucleotide variant.
Coding change: c.4597-125G>A on transcript NM_001035.3 (MANE Select); 125 bases into the intron before coding-DNA position 4597, G replaced by A.
Molecular consequence: intron variant.
Genome position (GRCh38, 1-based): chr1:237,601,900, G>A. VCF-style: chr1-237601900-G-A. GRCh37 (hg19) VCF-style: chr1-237765200-G-A.
Identifiers: ClinVar variation 672075 (VCV000672075.2), dbSNP rs2805418, ClinGen allele CA16083568.
Genomic context (GRCh38, chr1:237,601,900, plus strand): 5'-TCCCCAAGCAGTGTTCACATAGTAATGAAATACTCTAATTCTTGAAGGAGCACATCAATC[G>A]ATATGCAAGAAAGGAAAATCTCTGGGCTCCTTCTGTAAAGTATTCCTTTGTTGTTATAAA-3'

ClinVar aggregate classification (germline): Benign. Review status: criteria provided, multiple submitters, no conflicts (2 of 4 stars). 2 submissions from 2 submitters: Benign (2). Last evaluated 2018-06-15.

Allele frequency attached by ClinVar (database versions not stated): 1000 Genomes Project 30x 0.33901; 1000 Genomes Project 0.34145; TOPMed 0.39694; gnomAD 0.40369; gnomAD exomes 0.45762.
gnomAD v4.1: 303,431 of 683,434 alleles (44%); highest among the groups gnomAD compares: Admixed American, 54%; 70,287 homozygotes.

Submissions (2):

GeneDx
Classification: Benign. Last evaluated: 2018-06-15. Review status: criteria provided, single submitter. Criteria: GeneDx Variant Classification (06012015). Collection method: clinical testing. Allele origin: germline. Affected: yes.
Comment: This variant is considered likely benign or benign based on one or more of the following criteria: it is a conservative change, it occurs at a poorly conserved position in the protein, it is predicted to be benign by multiple in silico algorithms, and/or has population frequency not consistent with disease.

Breakthrough Genomics
Classification: Benign. Review status: criteria provided, single submitter. Criteria: ACMG Guidelines, 2015. Collection method: not provided. Allele origin: germline. Inheritance: Autosomal dominant inheritance. Affected: yes.